The following is an entry in ClinVar:

NM_016953.4(PDE11A):c.2328C>A (p.Asp776Glu)

Genes: PDE11A (phosphodiesterase 11A; minus strand), PDE11A-AS1 (PDE11A antisense RNA 1; plus strand). Cytogenetic location: 2q31.2.
Variant type: single nucleotide variant.
Coding change: c.2328C>A on transcript NM_016953.4 (MANE Select); coding-DNA position 2328, C replaced by A.
Protein change: p.Asp776Glu; replaces aspartic acid 776 with glutamic acid.
Molecular consequence: missense variant.
Genome position (GRCh38, 1-based): chr2:177,697,349, G>T on the plus strand (C>A on the coding strand, the complement: PDE11A is on the minus strand). VCF-style: chr2-177697349-G-T. GRCh37 (hg19) VCF-style: chr2-178562077-G-T.
Other names: c.996C>A, p.Asp332Glu (NM_001077196.2); c.1578C>A, p.Asp526Glu (NM_001077197.2); c.1254C>A, p.Asp418Glu (NM_001077358.2); short protein forms D332E, D418E, D526E, D776E.
Identifiers: ClinVar variation 3364234 (VCV003364234.1).

ClinVar aggregate classification (germline): Uncertain significance (1 of 4 stars; one submission).

Submission:

GeneDx
Classification: Uncertain significance. Last evaluated: 2023-11-20. Review status: criteria provided, single submitter. Criteria: GeneDx Variant Classification Process June 2021. Collection method: clinical testing. Allele origin: germline. Affected: yes.
Comment: Not observed at significant frequency in large population cohorts (gnomAD); In silico analysis supports that this missense variant has a deleterious effect on protein structure/function; Has not been previously published as pathogenic or benign to our knowledge